The following is an entry in ClinVar:

NM_012250.6(RRAS2):c.55G>A (p.Val19Met)

Genes: RRAS2 (RAS related 2; minus strand), LOC130005368 (ATAC-STARR-seq lymphoblastoid silent region 3172; plus strand). Cytogenetic location: 11p15.2.
Variant type: single nucleotide variant.
Coding change: c.55G>A on transcript NM_012250.6 (MANE Select); coding-DNA position 55, G replaced by A.
Protein change: p.Val19Met; replaces valine 19 with methionine.
Molecular consequence: missense variant. On other transcripts: intron variant (1).
Genome position (GRCh38, 1-based): chr11:14,358,816, C>T on the plus strand (G>A on the coding strand, the complement: RRAS2 is on the minus strand). VCF-style: chr11-14358816-C-T. GRCh37 (hg19) VCF-style: chr11-14380362-C-T.
Other names: c.55G>A, p.Val19Met (NM_001440708.1); c.3+5575G>A (NM_001177314.2); short protein forms V19M.
Identifiers: ClinVar variation 4813177 (VCV004813177.1).

ClinVar aggregate classification (germline): Uncertain significance (1 of 4 stars; one submission).

Conditions:
Noonan syndrome (NS). Also called: Noonan's syndrome. Identifiers: Orphanet 648, MedGen C0028326, MeSH D009634, MONDO:0018997. Disease mechanism: gain of function.

gnomAD v4.1: 1 of 1,493,800 alleles (0.000067%); highest among the groups gnomAD compares: Admixed American, 0.0019%; no homozygotes.

Submission:

St. Jude Molecular Pathology, St. Jude Children's Research Hospital
Classification: Uncertain significance for Noonan syndrome. Last evaluated: 2026-02-20. Review status: criteria provided, single submitter. Criteria: St. Jude Assertion Criteria 2020. Collection method: clinical testing. Allele origin: germline.
Comment: The RRAS2 c.55G>A p.(Val19Met) missense change has a maximum subpopulation frequency of 0.004% in gnomAD v2.1.1. The in silico tool REVEL is inconclusive about a pathogenic or benign effect of this variant on protein function, and to our knowledge functional studies have not been performed. To our knowledge, this variant has not been reported in individuals with Noonan syndrome. In summary, the evidence currently available is insufficient to determine the clinical significance of this variant. It has therefore been classified as of uncertain significance.